The following is an entry in ClinVar:

ClinVar aggregate classification (germline): Pathogenic (1 of 4 stars; one submission).

Conditions:
Asphyxiating thoracic dystrophy 3. Also called: Saldino-Noonan Syndrome; SHORT-RIB THORACIC DYSPLASIA 3 WITH OR WITHOUT POLYDACTYLY; POLYDACTYLY WITH NEONATAL CHONDRODYSTROPHY, TYPE I; SHORT-RIB THORACIC DYSPLASIA 3/6 WITH POLYDACTYLY, DIGENIC; Short rib polydactyly syndrome 2B. Identifiers: Orphanet 474, Orphanet 93269, Orphanet 93270, Orphanet 93271, MedGen C0036069, MONDO:0013127, OMIM 613091.

Submission:

Myriad Genetics, Inc.
Classification: Pathogenic for Asphyxiating thoracic dystrophy 3. Last evaluated: 2025-02-01. Review status: criteria provided, single submitter. Criteria: Myriad Autosomal Dominant, Autosomal Recessive and X-Linked Classification Criteria (2023). Collection method: clinical testing. Allele origin: unknown.
Comment: NM_001377.2(DYNC2H1):c.6186G>A(W2062*) is expected to be pathogenic in the context of DYNC2H1-related disorders. This variant is predicted to lead to an abnormal or absent protein product due to the creation of a premature termination codon in DYNC2H1, a gene where loss-of-function variants are known to be pathogenic. Please note: this variant was assessed in the context of healthy population screening.

NM_001377.3(DYNC2H1):c.6186G>A (p.Trp2062Ter)

Gene: DYNC2H1 (dynein cytoplasmic 2 heavy chain 1; plus strand). Cytogenetic location: 11q22.3.
Variant type: single nucleotide variant.
Coding change: c.6186G>A on transcript NM_001377.3 (MANE Select); coding-DNA position 6186, G replaced by A.
Protein change: p.Trp2062Ter; replaces tryptophan 2062 with a stop codon.
Molecular consequence: nonsense.
Genome position (GRCh38, 1-based): chr11:103,179,072, G>A. VCF-style: chr11-103179072-G-A. GRCh37 (hg19) VCF-style: chr11-103049801-G-A.
Other names: c.6186G>A, p.Trp2062Ter (NM_001080463.2); short protein forms W2062*.
Identifiers: ClinVar variation 5014048 (VCV005014048.1).
Genomic context (GRCh38, chr11:103,179,072, plus strand): 5'-TGATTTGAAAATAGATGTCAGCTCATGGATAATCTGTGATGGTGATATTGACCCTGAATG[G>A]ATAGAATCTCTGAATTCTGTTCTGGATGATAATCGACTGCTGACTATGCCCAGTGGAGAA-3'